The following is an entry in ClinVar:

NM_003900.5(SQSTM1):c.923C>T (p.Ala308Val)

Gene: SQSTM1 (sequestosome 1; plus strand). Cytogenetic location: 5q35.3.
Variant type: single nucleotide variant.
Coding change: c.923C>T on transcript NM_003900.5 (MANE Select); coding-DNA position 923, C replaced by T.
Protein change: p.Ala308Val; replaces alanine 308 with valine.
Molecular consequence: missense variant.
Genome position (GRCh38, 1-based): chr5:179,833,200, C>T. VCF-style: chr5-179833200-C-T. GRCh37 (hg19) VCF-style: chr5-179260200-C-T.
Other names: c.923C>T (NM_003900.4); c.671C>T, p.Ala224Val (NM_001142298.2, NM_001142299.2); short protein forms A224V, A308V.
Identifiers: ClinVar variation 1358860 (VCV001358860.24), dbSNP rs541356917, ClinGen allele CA3600725.

ClinVar aggregate classification (germline): Uncertain significance. Review status: criteria provided, multiple submitters, no conflicts (2 of 4 stars). 3 submissions from 3 submitters: Uncertain significance (3). Last evaluated 2026-04-20.

Conditions:
Frontotemporal dementia and/or amyotrophic lateral sclerosis 1 (FTDALS1). Also called: Frontotemporal dementia with motor neuron disease 1; C9orf72 Frontotemporal Dementia and/or Amyotrophic Lateral Sclerosis. Identifiers: Orphanet 275872, MedGen C5779877, MONDO:0007105, OMIM 105550.
Paget disease of bone 2, early-onset (PDB2). Also called: Paget disease of bone 2. Identifiers: MedGen C4085251, MONDO:0011183, OMIM 602080.

Allele frequency attached by ClinVar (database versions not stated): gnomAD 0.00001; TOPMed 0.00001; gnomAD exomes 0.00002.
gnomAD v4.1: 34 of 1,612,164 alleles (0.0021%); highest among the groups gnomAD compares: Middle Eastern, 0.017%; no homozygotes.

Submissions (3):

GeneDx
Classification: Uncertain significance. Last evaluated: 2026-04-20. Review status: criteria provided, single submitter. Criteria: GeneDx Variant Classification Process June 2021. Collection method: clinical testing. Allele origin: germline.
Comment: Reported previously in control samples and not seen in affected individuals (PMID: 27275741, 24899140); In silico analysis suggests that this missense variant does not alter protein structure/function; This variant is associated with the following publications: (PMID: 27275741, 24899140)

Labcorp Genetics (formerly Invitae), Labcorp
Classification: Uncertain significance for Paget disease of bone 2, early-onset; Frontotemporal dementia and/or amyotrophic lateral sclerosis 1. Last evaluated: 2025-06-22. Review status: criteria provided, single submitter. Criteria: Invitae Variant Classification Sherloc (09022015). Collection method: clinical testing. Allele origin: germline.
Comment: This sequence change replaces alanine, which is neutral and non-polar, with valine, which is neutral and non-polar, at codon 308 of the SQSTM1 protein (p.Ala308Val). This variant is present in population databases (rs541356917, gnomAD 0.01%). This variant has not been reported in the literature in individuals affected with SQSTM1-related conditions. ClinVar contains an entry for this variant (Variation ID: 1358860). Invitae Evidence Modeling of protein sequence and biophysical properties (such as structural, functional, and spatial information, amino acid conservation, physicochemical variation, residue mobility, and thermodynamic stability) indicates that this missense variant is not expected to disrupt SQSTM1 protein function with a negative predictive value of 80%. In summary, the available evidence is currently insufficient to determine the role of this variant in disease. Therefore, it has been classified as a Variant of Uncertain Significance.

CeGaT Center for Human Genetics Tuebingen
Classification: Uncertain significance. Last evaluated: 2024-07-01. Review status: criteria provided, single submitter. Criteria: CeGaT Center For Human Genetics Tuebingen Variant Classification Criteria Version 2. Collection method: clinical testing. Allele origin: germline. Affected: yes. Observed: 1 variant allele.